The following is an entry in ClinVar:

NM_000059.4(BRCA2):c.1015G>C (p.Asp339His)

Gene: BRCA2 (BRCA2 DNA repair associated; plus strand). Cytogenetic location: 13q13.1.
Variant type: single nucleotide variant.
Coding change: c.1015G>C on transcript NM_000059.4 (MANE Select); coding-DNA position 1015, G replaced by C.
Protein change: p.Asp339His; replaces aspartic acid 339 with histidine.
Molecular consequence: missense variant.
Genome position (GRCh38, 1-based): chr13:32,332,493, G>C. VCF-style: chr13-32332493-G-C. GRCh37 (hg19) VCF-style: chr13-32906630-G-C.
Other names: short protein forms D339H.
Identifiers: ClinVar variation 1036177 (VCV001036177.13), dbSNP rs1555281693, ClinGen allele CA387761102.

ClinVar aggregate classification (germline): Conflicting classifications of pathogenicity. Review status: criteria provided, conflicting classifications (1 of 4 stars). 2 submissions from 2 submitters: Uncertain significance (1); Likely benign (1). Last evaluated 2023-03-23.

Conditions:
Hereditary cancer-predisposing syndrome. Also called: Neoplastic Syndromes, Hereditary; Hereditary Cancer Syndrome; Tumor predisposition; Hereditary neoplastic syndrome. Identifiers: Orphanet 140162, MedGen C0027672, MeSH D009386, MONDO:0015356.
Hereditary breast ovarian cancer syndrome. Also called: Hereditary breast and ovarian cancer syndrome; Hereditary breast and ovarian cancer syndrome (HBOC); BRCA1- and BRCA2-Associated Hereditary Breast and Ovarian Cancer; Hereditary breast and ovarian cancer; Hereditary breast and/or ovarian cancer syndrome; Breast and ovarian cancer. Identifiers: Orphanet 145, MedGen C0677776, MeSH D061325, MONDO:0003582. Disease mechanism: loss of function.

Submissions (2):

University of Washington Department of Laboratory Medicine, University of Washington
Classification: Likely benign for Hereditary cancer-predisposing syndrome. Last evaluated: 2023-03-23. Review status: criteria provided, single submitter. Criteria: Dines et al. (Genet Med. 2020). Collection method: curation. Allele origin: germline.
Comment: Missense variant in a coldspot region where missense variants are very unlikely to be pathogenic (PMID:31911673).

BRCA2 exon 10 coldspot. Reclassification based on statistical prior probability.

Labcorp Genetics (formerly Invitae), Labcorp
Classification: Uncertain significance for Hereditary breast ovarian cancer syndrome. Last evaluated: 2020-01-23. Review status: criteria provided, single submitter. Criteria: Invitae Variant Classification Sherloc (09022015). Collection method: clinical testing. Allele origin: germline.
Comment: This sequence change replaces aspartic acid with histidine at codon 339 of the BRCA2 protein (p.Asp339His). The aspartic acid residue is moderately conserved and there is a moderate physicochemical difference between aspartic acid and histidine. In summary, the available evidence is currently insufficient to determine the role of this variant in disease. Therefore, it has been classified as a Variant of Uncertain Significance. Algorithms developed to predict the effect of missense changes on protein structure and function are either unavailable or do not agree on the potential impact of this missense change (SIFT: "Tolerated"; PolyPhen-2: "Benign"; Align-GVGD: "Class C0"). This variant has not been reported in the literature in individuals with BRCA2-related conditions. This variant is not present in population databases (ExAC no frequency).